The following is an entry in ClinVar:

NM_000117.3(EMD):c.593C>T (p.Ser198Phe)

Gene: EMD (emerin; plus strand). Cytogenetic location: Xq28.
Variant type: single nucleotide variant.
Coding change: c.593C>T on transcript NM_000117.3 (MANE Select); coding-DNA position 593, C replaced by T.
Protein change: p.Ser198Phe; replaces serine 198 with phenylalanine.
Molecular consequence: missense variant.
Genome position (GRCh38, 1-based): chrX:154,381,025, C>T. VCF-style: chrX-154381025-C-T. GRCh37 (hg19) VCF-style: chrX-153609385-C-T.
Other names: c.593C>T (NM_000117.2); short protein forms S198F.
Identifiers: ClinVar variation 1017320 (VCV001017320.14), dbSNP rs1569552105, ClinGen allele CA415258969.

ClinVar aggregate classification (germline): Conflicting classifications of pathogenicity. Review status: criteria provided, conflicting classifications (1 of 4 stars). 5 submissions from 5 submitters: Uncertain significance (4); Likely benign (1). Last evaluated 2025-10-17.

Conditions:
Cardiovascular phenotype. Identifiers: MedGen CN230736.
X-linked Emery-Dreifuss muscular dystrophy. Also called: Muscular dystrophy, tardive Emery-Dreifuss type, with contractures. Identifiers: Orphanet 261, Orphanet 98863, MedGen C0751337, MONDO:0010680.

Allele frequency attached by ClinVar (database versions not stated): gnomAD exomes below 0.00001 and 0.00001.
gnomAD v4.1: 6 of 1,212,100 alleles (0.0005%); highest among the groups gnomAD compares: African/African-American, 0.0017%; no homozygotes.

Submissions (5):

Ambry Genetics
Classification: Likely benign for Cardiovascular phenotype. Last evaluated: 2025-10-17. Review status: criteria provided, single submitter. Criteria: Ambry Variant Classification Scheme 2023. Collection method: clinical testing. Allele origin: germline.

Labcorp Genetics (formerly Invitae), Labcorp
Classification: Uncertain significance for X-linked Emery-Dreifuss muscular dystrophy. Last evaluated: 2025-09-28. Review status: criteria provided, single submitter. Criteria: Invitae Variant Classification Sherloc (09022015). Collection method: clinical testing. Allele origin: germline.
Comment: This sequence change replaces serine, which is neutral and polar, with phenylalanine, which is neutral and non-polar, at codon 198 of the EMD protein (p.Ser198Phe). This variant is not present in population databases (gnomAD no frequency). This variant has not been reported in the literature in individuals affected with EMD-related conditions. ClinVar contains an entry for this variant (Variation ID: 1017320). Invitae Evidence Modeling of protein sequence and biophysical properties (such as structural, functional, and spatial information, amino acid conservation, physicochemical variation, residue mobility, and thermodynamic stability) indicates that this missense variant is not expected to disrupt EMD protein function with a negative predictive value of 80%. In summary, the available evidence is currently insufficient to determine the role of this variant in disease. Therefore, it has been classified as a Variant of Uncertain Significance.

GeneDx
Classification: Uncertain significance. Last evaluated: 2025-01-08. Review status: criteria provided, single submitter. Criteria: GeneDx Variant Classification Process June 2021. Collection method: clinical testing. Allele origin: germline. Affected: yes.
Comment: Missense variants in this gene are a common cause of disease and they are underrepresented in the general population; In silico analysis indicates that this missense variant does not alter protein structure/function; Has not been previously published as pathogenic or benign to our knowledge; This variant is associated with the following publications: (PMID: 24365856)

Blueprint Genetics
Classification: Uncertain significance. Last evaluated: 2023-09-07. Review status: criteria provided, single submitter. Criteria: ACMG Guidelines, 2015. Collection method: clinical testing. Allele origin: germline.

Fulgent Genetics
Classification: Uncertain significance for Emery-Dreifuss muscular dystrophy 1, X-linked. Last evaluated: 2021-09-28. Review status: criteria provided, single submitter. Criteria: ACMG Guidelines, 2015. Collection method: clinical testing. Allele origin: unknown.